The following is an entry in ClinVar:

ClinVar aggregate classification (germline): Conflicting classifications of pathogenicity. Review status: criteria provided, conflicting classifications (1 of 4 stars). 7 submissions from 7 submitters: Uncertain significance (1); Likely benign (6). Last evaluated 2026-01-28.

Conditions:
Inborn genetic diseases. Identifiers: MedGen C0950123, MeSH D030342.
Factor V deficiency. Also called: Reduced coagulation factor V activity. Identifiers: Orphanet 326, MedGen C4317320, MONDO:0020586, HP:0003225.
Ischemic stroke. Also called: CEREBROVASCULAR ACCIDENT; Ischemic stroke, susceptibility to. Identifiers: MedGen C0948008, MONDO:1060198, OMIM 601367, HP:0002140.
Pregnancy loss, recurrent, susceptibility to, 1 (RPRGL1). Also called: EMBRYONIC LOSS, RECURRENT; MISCARRIAGE, RECURRENT; STILLBIRTH, RECURRENT; FETAL LOSS, RECURRENT, SUSCEPTIBILITY TO. Identifiers: MedGen C3280670, MONDO:0013727, OMIM 614389.
Budd-Chiari syndrome (BDCHS). Also called: Hepatic vein obstruction. Identifiers: Orphanet 131, MedGen C0856761, MONDO:0010947, OMIM 600880, HP:0002639.
Thrombophilia due to activated protein C resistance (THPH2). Also called: PCCF DEFICIENCY; PROC COFACTOR DEFICIENCY; Hereditary Resistance to Activated Protein C; APC resistance; Activated protein C resistance; THROMBOPHILIA DUE TO DEFICIENCY OF ACTIVATED PROTEIN C COFACTOR. Identifiers: MedGen C1861171, MONDO:0008560, OMIM 188055. Disease mechanism: loss of function, gain of function.
Congenital factor V deficiency. Also called: LABILE FACTOR DEFICIENCY; OWREN PARAHEMOPHILIA; PARAHEMOPHILIA; Hereditary factor V deficiency disease. Identifiers: Orphanet 326, MedGen C0015499, MONDO:0009210, OMIM 227400.

Allele frequency attached by ClinVar (database versions not stated): gnomAD exomes 0.00020 and 0.00045; ExAC 0.00062; 1000 Genomes Project 30x 0.00187; 1000 Genomes Project 0.00200; gnomAD 0.00201 and 0.00216; TOPMed 0.00248; ESP Exome Variant Server 0.00261.
gnomAD v4.1: 615 of 1,614,166 alleles (0.038%); highest among the groups gnomAD compares: African/African-American, 0.7%; 2 homozygotes.

Submissions (7):

Labcorp Genetics (formerly Invitae), Labcorp
Classification: Likely benign for Congenital factor V deficiency. Last evaluated: 2026-01-28. Review status: criteria provided, single submitter. Criteria: Invitae Variant Classification Sherloc (09022015). Collection method: clinical testing. Allele origin: germline.

Mayo Clinic Laboratories, Mayo Clinic
Classification: Likely benign. Last evaluated: 2024-12-04. Review status: criteria provided, single submitter. Criteria: ACMG Guidelines, 2015. Collection method: clinical testing. Allele origin: germline. Observed: 1 variant allele.
Comment: BS1_supporting, BP4_moderate

Blueprint Genetics
Classification: Likely benign. Last evaluated: 2024-11-25. Review status: criteria provided, single submitter. Criteria: ACMG Guidelines, 2015. Collection method: clinical testing. Allele origin: germline.

CeGaT Center for Human Genetics Tuebingen
Classification: Likely benign. Last evaluated: 2022-04-01. Review status: criteria provided, single submitter. Criteria: CeGaT Center For Human Genetics Tuebingen Variant Classification Criteria Version 2. Collection method: clinical testing. Allele origin: germline. Affected: yes. Observed: 1 variant allele.
Comment: F5: BP4

Fulgent Genetics
Classification: Likely benign for Thrombophilia due to activated protein C resistance; Congenital factor V deficiency; Budd-Chiari syndrome; Ischemic stroke; Pregnancy loss, recurrent, susceptibility to, 1. Last evaluated: 2021-08-04. Review status: criteria provided, single submitter. Criteria: ACMG Guidelines, 2015. Collection method: clinical testing. Allele origin: unknown.

Ambry Genetics
Classification: Uncertain significance for Inborn genetic diseases. Last evaluated: 2021-06-22. Review status: criteria provided, single submitter. Criteria: Ambry Variant Classification Scheme 2023. Collection method: clinical testing. Allele origin: germline.

Breakthrough Genomics
Classification: Likely benign. Review status: criteria provided, single submitter. Criteria: ACMG Guidelines, 2015. Collection method: not provided. Allele origin: germline. Inheritance: Autosomal recessive inheritance. Affected: yes.

NM_000130.5(F5):c.3162A>C (p.Glu1054Asp)

Gene: F5 (coagulation factor V; minus strand). Cytogenetic location: 1q24.2.
Variant type: single nucleotide variant.
Coding change: c.3162A>C on transcript NM_000130.5 (MANE Select); coding-DNA position 3162, A replaced by C.
Protein change: p.Glu1054Asp; replaces glutamic acid 1054 with aspartic acid.
Molecular consequence: missense variant.
Genome position (GRCh38, 1-based): chr1:169,541,928, T>G on the plus strand (A>C on the coding strand, the complement: F5 is on the minus strand). VCF-style: chr1-169541928-T-G. GRCh37 (hg19) VCF-style: chr1-169511166-T-G.
Other names: p.Glu1054Asp; short protein forms E1054D.
Identifiers: ClinVar variation 716054 (VCV000716054.37), dbSNP rs149026031, ClinGen allele CA1233961.